The following is an entry in ClinVar:

ClinVar aggregate classification (germline): Uncertain significance. Review status: criteria provided, multiple submitters, no conflicts (2 of 4 stars). 2 submissions from 2 submitters: Uncertain significance (2). Last evaluated 2024-08-20.

gnomAD v4.1: 2 of 1,613,890 alleles (0.00012%); highest among the groups gnomAD compares: Admixed American, 0.0033%; no homozygotes.

Submissions (2):

Ambry Genetics
Classification: Uncertain significance. Last evaluated: 2024-08-20. Review status: criteria provided, single submitter. Criteria: Ambry Variant Classification Scheme 2023. Collection method: clinical testing. Allele origin: germline.

GeneDx
Classification: Uncertain significance. Last evaluated: 2023-06-05. Review status: criteria provided, single submitter. Criteria: GeneDx Variant Classification Process June 2021. Collection method: clinical testing. Allele origin: germline. Affected: yes.
Comment: In silico analysis supports that this missense variant has a deleterious effect on protein structure/function; Has not been previously published as pathogenic or benign to our knowledge; Variants in candidate genes are classified as variants of uncertain significance in accordance with ACMG guidelines (Richards et al., 2015)

NM_024721.5(ZFHX4):c.10547C>T (p.Pro3516Leu)

Gene: ZFHX4 (zinc finger homeobox 4; plus strand). Cytogenetic location: 8q21.13.
Variant type: single nucleotide variant.
Coding change: c.10547C>T on transcript NM_024721.5 (MANE Select); coding-DNA position 10547, C replaced by T.
Protein change: p.Pro3516Leu; replaces proline 3516 with leucine.
Molecular consequence: missense variant.
Genome position (GRCh38, 1-based): chr8:76,864,261, C>T. VCF-style: chr8-76864261-C-T. GRCh37 (hg19) VCF-style: chr8-77776497-C-T.
Other names: c.10469C>T, p.Pro3490Leu (NM_001410934.1); short protein forms P3490L, P3516L.
Identifiers: ClinVar variation 3473246 (VCV003473246.2).
Genomic context (GRCh38, chr8:76,864,261, plus strand): 5'-CCCCTAATCCTAACACCACATCTACCTCGCAGTCTGCAGCTTCTTCTAATAACACCTATC[C>T]TCATCTTTCTTGCTTCTCCATGAAGTCCTGGCCTAATATCCTTTTCCAAGCGTCTGCCAG-3'
Protein context (NP_078997.4, residues 3506-3526): QSAASSNNTY[Pro3516Leu]HLSCFSMKSW